The following is an entry in ClinVar:

NM_007215.4(POLG2):c.563-18T>G

Genes: POLG2 (DNA polymerase gamma 2, accessory subunit; minus strand), MILR1 (mast cell immunoglobulin like receptor 1; plus strand). Cytogenetic location: 17q23.3.
Variant type: single nucleotide variant.
Coding change: c.563-18T>G on transcript NM_007215.4 (MANE Select); 18 bases into the intron before coding-DNA position 563, T replaced by G.
Molecular consequence: intron variant.
Genome position (GRCh38, 1-based): chr17:64,493,039, A>C on the plus strand (T>G on the coding strand, the complement: POLG2 is on the minus strand). VCF-style: chr17-64493039-A-C. GRCh37 (hg19) VCF-style: chr17-62489156-A-C.
Identifiers: ClinVar variation 390687 (VCV000390687.6), dbSNP rs782009459, ClinGen allele CA8712982.

ClinVar aggregate classification (germline): Likely benign. Review status: criteria provided, multiple submitters, no conflicts (2 of 4 stars). 3 submissions from 3 submitters: Likely benign (3). Last evaluated 2024-09-03.

Allele frequency attached by ClinVar (database versions not stated): gnomAD 0.00001; TOPMed 0.00001; ExAC 0.00002; gnomAD exomes 0.00002.
gnomAD v4.1: 20 of 1,613,866 alleles (0.0012%); highest among the groups gnomAD compares: Non-Finnish European, 0.0017%; no homozygotes.

Submissions (3):

Blueprint Genetics
Classification: Likely benign. Last evaluated: 2024-09-03. Review status: criteria provided, single submitter. Criteria: ACMG Guidelines, 2015. Collection method: clinical testing. Allele origin: germline.

Labcorp Genetics (formerly Invitae), Labcorp
Classification: Likely benign. Last evaluated: 2022-03-01. Review status: criteria provided, single submitter. Criteria: Invitae Variant Classification Sherloc (09022015). Collection method: clinical testing. Allele origin: germline.

GeneDx
Classification: Likely benign. Last evaluated: 2016-11-15. Review status: criteria provided, single submitter. Criteria: GeneDx Variant Classification (06012015). Collection method: clinical testing. Allele origin: germline. Affected: yes.
Comment: This variant is considered likely benign or benign based on one or more of the following criteria: it is a conservative change, it occurs at a poorly conserved position in the protein, it is predicted to be benign by multiple in silico algorithms, and/or has population frequency not consistent with disease.